The following is an entry in ClinVar:

ClinVar aggregate classification (germline): Uncertain significance (1 of 4 stars; one submission).

gnomAD v4.1: 3 of 1,613,550 alleles (0.00019%); highest among the groups gnomAD compares: Non-Finnish European, 0.00025%; no homozygotes.

Submission:

Labcorp Genetics (formerly Invitae), Labcorp
Classification: Uncertain significance. Last evaluated: 2025-02-16. Review status: criteria provided, single submitter. Criteria: Invitae Variant Classification Sherloc (09022015). Collection method: clinical testing. Allele origin: germline.
Comment: This sequence change falls in intron 3 of the RUSC2 gene. It does not directly change the encoded amino acid sequence of the RUSC2 protein. It affects a nucleotide within the consensus splice site. This variant is not present in population databases (gnomAD no frequency). This variant has not been reported in the literature in individuals affected with RUSC2-related conditions. Variants that disrupt the consensus splice site are a relatively common cause of aberrant splicing (PMID: 17576681, 9536098). Algorithms developed to predict the effect of sequence changes on RNA splicing suggest that this variant is not likely to affect RNA splicing. In summary, the available evidence is currently insufficient to determine the role of this variant in disease. Therefore, it has been classified as a Variant of Uncertain Significance.

Literature cited by the submitters: PubMed 17576681; PubMed 9536098.

NM_014806.5(RUSC2):c.2657-3C>T

Gene: RUSC2 (RUN and SH3 domain containing 2; plus strand). Cytogenetic location: 9p13.3.
Variant type: single nucleotide variant.
Coding change: c.2657-3C>T on transcript NM_014806.5 (MANE Select); 3 bases into the intron before coding-DNA position 2657, C replaced by T.
Molecular consequence: intron variant.
Genome position (GRCh38, 1-based): chr9:35,555,949, C>T. VCF-style: chr9-35555949-C-T. GRCh37 (hg19) VCF-style: chr9-35555946-C-T.
Other names: c.23-3C>T (NM_001330740.2); c.2657-3C>T (NM_001135999.2).
Identifiers: ClinVar variation 4771545 (VCV004771545.1).